The following is an entry in ClinVar:

ClinVar aggregate classification (germline): Pathogenic. Review status: criteria provided, multiple submitters, no conflicts (2 of 4 stars). 2 submissions from 2 submitters: Pathogenic (2). Last evaluated 2026-05-29.

Conditions:
Hereditary cancer-predisposing syndrome. Also called: Tumor predisposition; Hereditary neoplastic syndrome; Neoplastic Syndromes, Hereditary; Hereditary Cancer Syndrome. Identifiers: Orphanet 140162, MedGen C0027672, MeSH D009386, MONDO:0015356.
Familial cancer of breast. Also called: hereditary breast carcinoma; Hereditary breast cancer; BREAST CANCER, FAMILIAL. Identifiers: Orphanet 227535, MedGen C0346153, MONDO:0016419, OMIM 114480. Disease mechanism: loss of function.

Submissions (2):

Ambry Genetics
Classification: Pathogenic for Hereditary cancer-predisposing syndrome. Last evaluated: 2026-05-29. Review status: criteria provided, single submitter. Criteria: Ambry Variant Classification Scheme 2023. Collection method: clinical testing. Allele origin: germline.
Comment: The c.87dupC pathogenic mutation, located in coding exon 2 of the PALB2 gene, results from a duplication of C at nucleotide position 87, causing a translational frameshift with a predicted alternate stop codon (p.K30Qfs*13). This variant is considered to be rare based on population cohorts in the Genome Aggregation Database (gnomAD). This alteration is expected to result in loss of function by premature protein truncation or nonsense-mediated mRNA decay. As such, this alteration is interpreted as a disease-causing mutation.

Myriad Genetics, Inc.
Classification: Pathogenic for Familial cancer of breast. Last evaluated: 2023-09-06. Review status: criteria provided, single submitter. Criteria: Myriad Autosomal Dominant, Autosomal Recessive and X-Linked Classification Criteria (2023). Collection method: clinical testing. Allele origin: unknown.
Comment: This variant is considered pathogenic. This variant creates a frameshift predicted to result in premature protein truncation.

NM_024675.4(PALB2):c.87dup (p.Lys30fs)

Gene: PALB2 (partner and localizer of BRCA2; minus strand). Cytogenetic location: 16p12.2.
Variant type: Duplication.
Coding change: c.87dup on transcript NM_024675.4 (MANE Select); coding-DNA position 87, one base duplicated (C; older notation c.87dupC).
Protein change: p.Lys30fs; shifts the reading frame from lysine 30.
Molecular consequence: frameshift variant. On other transcripts: 5 prime UTR variant (8), intron variant (4).
Genome position (GRCh38, 1-based): chr16:23,638,091, G duplicated on the plus strand (C on the coding strand, the reverse complement: PALB2 is on the minus strand). VCF-style (leftmost placement, unchanged base first): chr16-23638090-T-TG. GRCh37 (hg19) VCF-style: chr16-23649411-T-TG.
Other names: c.87dup, p.Lys30fs (NM_001407297.1, NM_001407298.1, NM_001407299.1 and 3 more transcripts); c.-799dup (NM_001407304.1, NM_001407305.1, NM_001407306.1 and 5 more transcripts); c.48+3019dup (NM_001407314.1); c.-105+3019dup (NM_001407313.1, NM_001407312.1); c.49-139dup (NM_001407296.1); c.87dupC (NM_024675.3); short protein forms K30fs.
Identifiers: ClinVar variation 2674150 (VCV002674150.2), dbSNP rs2506539880, ClinGen allele CA2695197564.